The following is an entry in ClinVar:

ClinVar aggregate classification (germline): Uncertain significance (1 of 4 stars; one submission).

Conditions:
Hereditary pulmonary alveolar proteinosis. Also called: Pulmonary surfactant metabolism dysfunction. Identifiers: Orphanet 264675, MedGen C3711368, MONDO:0012580.

gnomAD v4.1: 4 of 1,613,928 alleles (0.00025%); highest among the groups gnomAD compares: Non-Finnish European, 0.00034%; no homozygotes.

Submission:

Ambry Genetics
Classification: Uncertain significance for Hereditary pulmonary alveolar proteinosis. Last evaluated: 2024-10-15. Review status: criteria provided, single submitter. Criteria: Ambry Variant Classification Scheme 2023. Collection method: clinical testing. Allele origin: germline.
Comment: The p.E203G variant (also known as c.608A>G), located in coding exon 4 of the ABCA3 gene, results from an A to G substitution at nucleotide position 608. The glutamic acid at codon 203 is replaced by glycine, an amino acid with similar properties. This amino acid position is conserved. In addition, the in silico prediction for this alteration is inconclusive. Based on the available evidence, the clinical significance of this variant remains unclear.

NM_001089.3(ABCA3):c.608A>G (p.Glu203Gly)

Gene: ABCA3 (ATP binding cassette subfamily A member 3; minus strand). Cytogenetic location: 16p13.3.
Variant type: single nucleotide variant.
Coding change: c.608A>G on transcript NM_001089.3 (MANE Select); coding-DNA position 608, A replaced by G.
Protein change: p.Glu203Gly; replaces glutamic acid 203 with glycine.
Molecular consequence: missense variant.
Genome position (GRCh38, 1-based): chr16:2,323,528, T>C on the plus strand (A>G on the coding strand, the complement: ABCA3 is on the minus strand). VCF-style: chr16-2323528-T-C. GRCh37 (hg19) VCF-style: chr16-2373529-T-C.
Other names: short protein forms E203G.
Identifiers: ClinVar variation 3513299 (VCV003513299.1).